The following is an entry in ClinVar:

ClinVar aggregate classification (germline): Conflicting classifications of pathogenicity. Review status: criteria provided, conflicting classifications (1 of 4 stars). 4 submissions from 4 submitters: Uncertain significance (1); Likely benign (2). 1 of the submissions does not count toward it. Last evaluated 2024-12-07.

Conditions:
INVS-related disorder. Also called: INVS-related condition.
Inborn genetic diseases. Identifiers: MedGen C0950123, MeSH D030342.
Nephronophthisis. Also called: Juvenile Nephronophthisis. Identifiers: Orphanet 655, MedGen C0687120, MONDO:0019005, HP:0000090.

Allele frequency attached by ClinVar (database versions not stated): gnomAD 0.00001; gnomAD exomes 0.00002 and 0.00011; TOPMed 0.00005; ExAC 0.00007; 1000 Genomes Project 30x 0.00016; 1000 Genomes Project 0.00020.
gnomAD v4.1: 31 of 1,613,460 alleles (0.0019%); highest among the groups gnomAD compares: Admixed American, 0.048%; no homozygotes.

Submissions (4):

Labcorp Genetics (formerly Invitae), Labcorp
Classification: Likely benign for Nephronophthisis. Last evaluated: 2024-12-07. Review status: criteria provided, single submitter. Criteria: Invitae Variant Classification Sherloc (09022015). Collection method: clinical testing. Allele origin: germline.

Ambry Genetics
Classification: Likely benign for Inborn genetic diseases. Last evaluated: 2024-01-04. Review status: criteria provided, single submitter. Criteria: Ambry Variant Classification Scheme 2023. Collection method: clinical testing. Allele origin: germline.

Blueprint Genetics
Classification: Uncertain significance. Last evaluated: 2022-06-27. Review status: criteria provided, single submitter. Criteria: ACMG Guidelines, 2015. Collection method: clinical testing. Allele origin: germline.

PreventionGenetics, part of Exact Sciences
Classification: Likely benign for INVS-related condition. Last evaluated: 2024-04-11. Review status: no assertion criteria provided. Collection method: clinical testing. Allele origin: germline. Not counted in ClinVar's aggregate classification.
Comment: This variant is classified as likely benign based on ACMG/AMP sequence variant interpretation guidelines (Richards et al. 2015 PMID: 25741868, with internal and published modifications).

NM_014425.5(INVS):c.1572A>G (p.Arg524=)

Gene: INVS (inversin; plus strand). Cytogenetic location: 9q31.1.
Variant type: single nucleotide variant.
Coding change: c.1572A>G on transcript NM_014425.5 (MANE Select); coding-DNA position 1572, A replaced by G.
Protein change: p.Arg524=; no amino-acid change (arginine 524 retained).
Molecular consequence: synonymous variant. On other transcripts: non-coding transcript variant (1).
Genome position (GRCh38, 1-based): chr9:100,272,864, A>G. VCF-style: chr9-100272864-A-G. GRCh37 (hg19) VCF-style: chr9-103035146-A-G.
Other names: c.1572A>G (NM_014425.4, NM_014425.2); c.1284A>G, p.Arg428= (NM_001318381.2); c.594A>G, p.Arg198= (NM_001318382.2).
Identifiers: ClinVar variation 844289 (VCV000844289.13), dbSNP rs187927206, ClinGen allele CA5158447.